The following is an entry in ClinVar:

NM_004356.4(CD81):c.561+6C>G

Gene: CD81 (CD81 molecule; plus strand). Cytogenetic location: 11p15.5.
Variant type: single nucleotide variant.
Coding change: c.561+6C>G on transcript NM_004356.4 (MANE Select); 6 bases into the intron after coding-DNA position 561, C replaced by G.
Molecular consequence: intron variant.
Genome position (GRCh38, 1-based): chr11:2,395,976, C>G. VCF-style: chr11-2395976-C-G. GRCh37 (hg19) VCF-style: chr11-2417206-C-G.
Other names: c.348+6C>G (NM_001297649.2).
Identifiers: ClinVar variation 1913117 (VCV001913117.5), dbSNP rs377337982, ClinGen allele CA5820062.

ClinVar aggregate classification (germline): Uncertain significance (1 of 4 stars; one submission).

gnomAD v4.1: 30 of 1,596,576 alleles (0.0019%); highest among the groups gnomAD compares: Non-Finnish European, 0.0021%; no homozygotes.

Submission:

Labcorp Genetics (formerly Invitae), Labcorp
Classification: Uncertain significance. Last evaluated: 2022-04-21. Review status: criteria provided, single submitter. Criteria: Invitae Variant Classification Sherloc (09022015). Collection method: clinical testing. Allele origin: germline.
Comment: This variant has not been reported in the literature in individuals affected with CD81-related conditions. In summary, the available evidence is currently insufficient to determine the role of this variant in disease. Therefore, it has been classified as a Variant of Uncertain Significance. Variants that disrupt the consensus splice site are a relatively common cause of aberrant splicing (PMID: 17576681, 9536098). Algorithms developed to predict the effect of sequence changes on RNA splicing suggest that this variant is not likely to affect RNA splicing. This variant is present in population databases (rs377337982, gnomAD 0.002%). This sequence change falls in intron 6 of the CD81 gene. It does not directly change the encoded amino acid sequence of the CD81 protein. It affects a nucleotide within the consensus splice site.

Literature cited by the submitters: PubMed 17576681; PubMed 9536098.